The following is an entry in ClinVar:

ClinVar aggregate classification (germline): Conflicting classifications of pathogenicity. Review status: criteria provided, conflicting classifications (1 of 4 stars). 9 submissions from 9 submitters: Uncertain significance (7); Likely benign (2). Last evaluated 2025-11-17.

Conditions:
Hereditary nonpolyposis colorectal neoplasms. Identifiers: MedGen C0009405, MeSH D003123.
MSH6-related disorder. Also called: MSH6-related condition; MSH6-Related disorders.
Hereditary cancer-predisposing syndrome. Also called: Hereditary Cancer Syndrome; Neoplastic Syndromes, Hereditary; Tumor predisposition; Hereditary neoplastic syndrome. Identifiers: Orphanet 140162, MedGen C0027672, MeSH D009386, MONDO:0015356.
Lynch syndrome. Identifiers: Orphanet 144, MedGen C4552100, MONDO:0005835. Disease mechanism: loss of function.
Lynch syndrome 5 (LYNCH5). Also called: Colorectal cancer, hereditary nonpolyposis, type 5; Hereditary non-polyposis colorectal cancer, type 5. Identifiers: Orphanet 144, MedGen C1833477, MONDO:0013710, OMIM 614350. Disease mechanism: loss of function.
Endometrial carcinoma. Also called: Endometrial carcinoma, somatic. Identifiers: MedGen C0476089, MONDO:0002447, OMIM 608089, HP:0012114.

Allele frequency attached by ClinVar (database versions not stated): TOPMed below 0.00001; gnomAD 0.00001.
gnomAD v4.1: 13 of 1,613,950 alleles (0.00081%); highest among the groups gnomAD compares: Non-Finnish European, 0.001%; no homozygotes.

Submissions (9):

Ambry Genetics
Classification: Uncertain significance for Hereditary cancer-predisposing syndrome. Last evaluated: 2025-11-17. Review status: criteria provided, single submitter. Criteria: Ambry Variant Classification Scheme 2023. Collection method: clinical testing. Allele origin: germline.
Comment: The p.R248G variant (also known as c.742C>G), located in coding exon 4 of the MSH6 gene, results from a C to G substitution at nucleotide position 742. The arginine at codon 248 is replaced by glycine, an amino acid with dissimilar properties. This amino acid position is well conserved in available vertebrate species. In addition, the in silico prediction for this alteration is inconclusive. Since supporting evidence is limited at this time, the clinical significance of this alteration remains unclear.

PreventionGenetics, part of Exact Sciences
Classification: Uncertain significance for MSH6-related condition. Last evaluated: 2025-10-03. Review status: criteria provided, single submitter. Criteria: ACMG Guidelines, 2015. Collection method: clinical testing. Allele origin: germline.
Comment: The MSH6 c.742C>G variant is predicted to result in the amino acid substitution p.Arg248Gly. To our knowledge, this variant has not been reported in the literature. This variant is reported in 0.0016% of alleles in individuals of European (Non-Finnish) descent in gnomAD and has conflicting interpretations in ClinVar ranging from likely benign to uncertain (Variation ID: 197114). Although we suspect that this variant may be benign, at this time, the clinical significance of this variant is uncertain due to the absence of conclusive functional and genetic evidence.

Labcorp Genetics (formerly Invitae), Labcorp
Classification: Likely benign for Hereditary nonpolyposis colorectal neoplasms. Last evaluated: 2025-08-17. Review status: criteria provided, single submitter. Criteria: Invitae Variant Classification Sherloc (09022015). Collection method: clinical testing. Allele origin: germline.

Myriad Genetics, Inc.
Classification: Likely benign for Lynch syndrome 5. Last evaluated: 2025-02-14. Review status: criteria provided, single submitter. Criteria: Myriad Autosomal Dominant, Autosomal Recessive and X-Linked Classification Criteria (2023). Collection method: clinical testing. Allele origin: unknown.
Comment: This variant is considered likely benign. This variant is strongly associated with less severe personal and family histories of cancer, typical for individuals without pathogenic variants in this gene [PMID: 27363726].

Baylor Genetics
Classification: Uncertain significance for Endometrial carcinoma. Last evaluated: 2024-03-29. Review status: criteria provided, single submitter. Criteria: ACMG Guidelines, 2015. Collection method: clinical testing. Allele origin: unknown.

Color Diagnostics, LLC DBA Color Health
Classification: Uncertain significance for Hereditary cancer-predisposing syndrome. Last evaluated: 2024-03-06. Review status: criteria provided, single submitter. Criteria: ACMG Guidelines, 2015. Collection method: clinical testing. Allele origin: germline.
Comment: This missense variant replaces arginine with glycine at codon 248 of the MSH6 protein. Computational prediction is inconclusive regarding the impact of this variant on protein structure and function (internally defined REVEL score threshold 0.5 < inconclusive < 0.7, PMID: 27666373). To our knowledge, functional studies have not been reported for this variant. This variant has not been reported in individuals affected with MSH6-related disorders in the literature. This variant has been identified in 2/282516 chromosomes in the general population by the Genome Aggregation Database (gnomAD). The available evidence is insufficient to determine the role of this variant in disease conclusively. Therefore, this variant is classified as a Variant of Uncertain Significance.

All of Us Research Program, National Institutes of Health
Classification: Uncertain significance for Lynch syndrome. Last evaluated: 2023-12-18. Review status: criteria provided, single submitter. Criteria: ACMG Guidelines, 2015. Collection method: clinical testing. Allele origin: germline. Inheritance: Autosomal dominant inheritance. Observed: 5 variant alleles, 5 heterozygotes.
Comment: This missense variant replaces arginine with glycine at codon 248 of the MSH6 protein. Computational prediction is inconclusive regarding the impact of this variant on protein structure and function (internally defined REVEL score threshold 0.5 < inconclusive < 0.7, PMID: 27666373). To our knowledge, functional studies have not been reported for this variant. This variant has not been reported in individuals affected with MSH6-related disorders in the literature. This variant has been identified in 2/282516 chromosomes in the general population by the Genome Aggregation Database (gnomAD). The available evidence is insufficient to determine the role of this variant in disease conclusively. Therefore, this variant is classified as a Variant of Uncertain Significance.

This study involves interpretation of variants in research participants for the purpose of population health screening. Participant phenotype was not available at the time of variant classification. Additional details can be found in publication PMID: 35346344, PMCID: PMC8962531

GeneDx
Classification: Uncertain significance. Last evaluated: 2022-12-16. Review status: criteria provided, single submitter. Criteria: GeneDx Variant Classification Process June 2021. Collection method: clinical testing. Allele origin: germline. Affected: yes.
Comment: Not observed at significant frequency in large population cohorts (gnomAD); In silico analysis supports that this missense variant has a deleterious effect on protein structure/function; Has not been previously published as pathogenic or benign to our knowledge; This variant is associated with the following publications: (PMID: 21437237)

Eurofins Ntd Llc (ga)
Classification: Uncertain significance. Last evaluated: 2015-04-13. Review status: criteria provided, single submitter. Criteria: EGL Classification Definitions 2015. Collection method: clinical testing. Allele origin: germline. Observed: 1 variant allele, 1 heterozygote.

Literature cited by the submitters: PubMed 27363726 (cited by Myriad Genetics, Inc.).

NM_000179.3(MSH6):c.742C>G (p.Arg248Gly)

Gene: MSH6 (mutS homolog 6; plus strand). Cytogenetic location: 2p16.3.
Variant type: single nucleotide variant.
Coding change: c.742C>G on transcript NM_000179.3 (MANE Select); coding-DNA position 742, C replaced by G.
Protein change: p.Arg248Gly; replaces arginine 248 with glycine.
Molecular consequence: missense variant. On other transcripts: 5 prime UTR variant (2).
Genome position (GRCh38, 1-based): chr2:47,798,725, C>G. VCF-style: chr2-47798725-C-G. GRCh37 (hg19) VCF-style: chr2-48025864-C-G.
Other names: c.352C>G, p.Arg118Gly (NM_001281492.2); c.-165C>G (NM_001281493.2, NM_001281494.2); short protein forms R248G, R118G.
Identifiers: ClinVar variation 197114 (VCV000197114.29), dbSNP rs63749980, ClinGen allele CA016385.